The following is an entry in ClinVar:

NM_001394062.1(MACF1):c.3035G>A (p.Arg1012His)

Gene: MACF1 (microtubule actin crosslinking factor 1; plus strand). Cytogenetic location: 1p34.3.
Variant type: single nucleotide variant.
Coding change: c.3035G>A on transcript NM_001394062.1 (MANE Select); coding-DNA position 3035, G replaced by A.
Protein change: p.Arg1012His; replaces arginine 1012 with histidine.
Molecular consequence: missense variant.
Genome position (GRCh38, 1-based): chr1:39,310,363, G>A. VCF-style: chr1-39310363-G-A. GRCh37 (hg19) VCF-style: chr1-39776035-G-A.
Other names: c.3050G>A, p.Arg1017His (NM_012090.5); short protein forms R1012H, R1017H.
Identifiers: ClinVar variation 2086598 (VCV002086598.4), dbSNP rs774135362, ClinGen allele CA779867.

ClinVar aggregate classification (germline): Uncertain significance (1 of 4 stars; one submission).

Allele frequency attached by ClinVar (database versions not stated): gnomAD 0.00002.
gnomAD v4.1: 19 of 1,613,974 alleles (0.0012%); highest among the groups gnomAD compares: South Asian, 0.0055%; no homozygotes.

Submission:

Labcorp Genetics (formerly Invitae), Labcorp
Classification: Uncertain significance. Last evaluated: 2022-08-01. Review status: criteria provided, single submitter. Criteria: Invitae Variant Classification Sherloc (09022015). Collection method: clinical testing. Allele origin: germline.
Comment: This variant has not been reported in the literature in individuals affected with MACF1-related conditions. This variant is present in population databases (rs774135362, gnomAD 0.007%). This sequence change replaces arginine, which is basic and polar, with histidine, which is basic and polar, at codon 1017 of the MACF1 protein (p.Arg1017His). Algorithms developed to predict the effect of missense changes on protein structure and function output the following: SIFT: "Deleterious"; PolyPhen-2: "Probably Damaging"; Align-GVGD: "Class C0". The histidine amino acid residue is found in multiple mammalian species, which suggests that this missense change does not adversely affect protein function. In summary, the available evidence is currently insufficient to determine the role of this variant in disease. Therefore, it has been classified as a Variant of Uncertain Significance.